The following is an entry in ClinVar:

NM_000516.7(GNAS):c.668A>T (p.Asp223Val)

Gene: GNAS (GNAS complex locus; plus strand). Cytogenetic location: 20q13.32.
Variant type: single nucleotide variant.
Coding change: c.668A>T on transcript NM_000516.7 (MANE Select); coding-DNA position 668, A replaced by T.
Protein change: p.Asp223Val; replaces aspartic acid 223 with valine.
Molecular consequence: missense variant. On other transcripts: 3 prime UTR variant (2).
Genome position (GRCh38, 1-based): chr20:58,909,529, A>T. VCF-style: chr20-58909529-A-T. GRCh37 (hg19) VCF-style: chr20-57484584-A-T.
Other names: c.446A>T, p.Asp149Val (NM_001438273.1, NM_001438274.1, NM_001438275.1); c.491A>T, p.Asp164Val (NM_001438276.1, NM_001439291.1, NM_001309840.2 and 1 more transcripts); c.*574A>T (NM_016592.5); c.2597A>T, p.Asp866Val (NM_080425.4); c.626A>T, p.Asp209Val (NM_080426.4); c.671A>T, p.Asp224Val (NM_001077488.5); c.623A>T, p.Asp208Val (NM_001077489.4); c.*529A>T (NM_001077490.3); and 2 more; short protein forms D164V, D191V, D208V, D209V, D223V, D224V, D851V, D866V.
Identifiers: ClinVar variation 4281778 (VCV004281778.1).

ClinVar aggregate classification (germline): Uncertain significance (1 of 4 stars; one submission).

Submission:

GeneDx
Classification: Uncertain significance. Last evaluated: 2025-04-09. Review status: criteria provided, single submitter. Criteria: GeneDx Variant Classification Process June 2021. Collection method: clinical testing. Allele origin: germline. Affected: yes.
Comment: Not observed at significant frequency in large population cohorts (gnomAD); In silico analysis supports that this missense variant has a deleterious effect on protein structure/function; Has not been previously reported as pathogenic or benign in association with GNAS-related disorders to our knowledge; This variant is associated with the following publications: (PMID: 23288949)